The following is an entry in ClinVar:

ClinVar aggregate classification (germline): Likely benign. Review status: reviewed by expert panel (3 of 4 stars). 4 submissions from 4 submitters: Likely benign (1). 3 of the submissions do not count toward it. Last evaluated 2022-07-07.

Conditions:
Hereditary thrombocytopenia and hematologic cancer predisposition syndrome. Identifiers: Orphanet 71290, MedGen CN281654, MONDO:0011071.
Inborn genetic diseases. Identifiers: MedGen C0950123, MeSH D030342.
Hereditary thrombocytopenia and hematological cancer predisposition syndrome associated with RUNX1. Also called: Familial Platelet Disorder with Propensity to Acute Myelogenous Leukemia; Familial thrombocytopenia with propensity to acute myelogenous leukemia; PLATELET DISORDER, ASPIRIN-LIKE; RUNX1 Familial Platelet Disorder with Associated Myeloid Malignancies. Identifiers: Orphanet 71290, MedGen C1832388, MeSH C563324, MONDO:0100083, OMIM 601399.

Allele frequency attached by ClinVar (database versions not stated): gnomAD 0.00001; TOPMed 0.00002; ESP Exome Variant Server 0.00008.
gnomAD v4.1: 33 of 1,614,102 alleles (0.002%); highest among the groups gnomAD compares: Non-Finnish European, 0.0023%; no homozygotes.

Submissions (4):

ClinGen Myeloid Malignancy Variant Curation Expert Panel
Classification: Likely benign for Hereditary thrombocytopenia and hematologic cancer predisposition syndrome. Last evaluated: 2022-07-07. Review status: reviewed by expert panel. Criteria: ClinGen MyeloMalig ACMG Specifications v2. Collection method: curation. Allele origin: germline. Inheritance: Autosomal dominant inheritance.
Comment: This c.882T>C (p.Pro294=) synonymous variant is located at a non-conserved nucleotide per an evolutionary conservation prediction algorithm (PhyloP score = -0.178882 in GRCh38); it is not predicted to have any splicing impact per SpliceAI (BP7+BP4). In summary, this variant meets criteria to be classified as likely benign. ACMG/AMP criteria applied, as specified by the ClinGen Myeloid Malignancy Variant Curation Expert Panel for RUNX1: BP4 and BP7.

Labcorp Genetics (formerly Invitae), Labcorp
Classification: Likely benign for Hereditary thrombocytopenia and hematological cancer predisposition syndrome associated with RUNX1. Last evaluated: 2025-11-10. Review status: criteria provided, single submitter. Criteria: Invitae Variant Classification Sherloc (09022015). Collection method: clinical testing. Allele origin: germline. Not counted in ClinVar's aggregate classification.

CeGaT Center for Human Genetics Tuebingen
Classification: Likely benign. Last evaluated: 2025-06-01. Review status: criteria provided, single submitter. Criteria: CeGaT Center For Human Genetics Tuebingen Variant Classification Criteria Version 2. Collection method: clinical testing. Allele origin: germline. Affected: yes. Observed: 1 variant allele. Not counted in ClinVar's aggregate classification.
Comment: RUNX1: BP4, BP7

Ambry Genetics
Classification: Likely benign for Inborn genetic diseases. Last evaluated: 2024-11-23. Review status: criteria provided, single submitter. Criteria: Ambry Variant Classification Scheme 2023. Collection method: clinical testing. Allele origin: germline. Not counted in ClinVar's aggregate classification.

NM_001754.5(RUNX1):c.882T>C (p.Pro294=)

Gene: RUNX1 (RUNX family transcription factor 1; minus strand). Cytogenetic location: 21q22.12.
Variant type: single nucleotide variant.
Coding change: c.882T>C on transcript NM_001754.5 (MANE Select); coding-DNA position 882, T replaced by C.
Protein change: p.Pro294=; no amino-acid change (proline 294 retained).
Molecular consequence: synonymous variant.
Genome position (GRCh38, 1-based): chr21:34,799,386, A>G on the plus strand (T>C on the coding strand, the complement: RUNX1 is on the minus strand). VCF-style: chr21-34799386-A-G. GRCh37 (hg19) VCF-style: chr21-36171683-A-G.
Other names: NM_001754.4(RUNX1):c.882T>C; p.Pro294=; c.801T>C, p.Pro267= (NM_001001890.3).
Identifiers: ClinVar variation 532676 (VCV000532676.21), dbSNP rs376963970, ClinGen allele CA10014276.